The following is an entry in ClinVar:

NM_005866.4(SIGMAR1):c.308A>G (p.Tyr103Cys)

Gene: SIGMAR1 (sigma receptor chaperone 1; minus strand). Cytogenetic location: 9p13.3.
Variant type: single nucleotide variant.
Coding change: c.308A>G on transcript NM_005866.4 (MANE Select); coding-DNA position 308, A replaced by G.
Protein change: p.Tyr103Cys; replaces tyrosine 103 with cysteine.
Molecular consequence: missense variant. On other transcripts: intron variant (2).
Genome position (GRCh38, 1-based): chr9:34,637,264, T>C on the plus strand (A>G on the coding strand, the complement: SIGMAR1 is on the minus strand). VCF-style: chr9-34637264-T-C. GRCh37 (hg19) VCF-style: chr9-34637261-T-C.
Other names: c.308A>G, p.Tyr103Cys (NM_001282205.2, NM_001282208.2, NM_147157.3); c.248A>G, p.Tyr83Cys (NM_001282207.2); c.305+3A>G (NM_001282209.2); c.52+3A>G (NM_001282206.2); short protein forms Y103C, Y83C.
Identifiers: ClinVar variation 2132275 (VCV002132275.4), dbSNP rs2492823818, ClinGen allele CA373274608.

ClinVar aggregate classification (germline): Uncertain significance (1 of 4 stars; one submission).

Conditions:
Autosomal recessive distal spinal muscular atrophy 2. Also called: NEUROPATHY, DISTAL HEREDITARY MOTOR, AUTOSOMAL RECESSIVE 2; NEURONOPATHY, DISTAL HEREDITARY MOTOR, JERASH TYPE; NEUROPATHY, DISTAL HEREDITARY MOTOR, JERASH TYPE; SPINAL MUSCULAR ATROPHY, JERASH TYPE; Hereditary motor neuropathy, Jerash type; Motor neuropathy, distal, Jerash type. Identifiers: Orphanet 139552, MedGen C1854023, MONDO:0011585, OMIM 605726.
Amyotrophic lateral sclerosis type 16. Also called: AMYOTROPHIC LATERAL SCLEROSIS 16, JUVENILE. Identifiers: Orphanet 300605, MedGen C3280587, MONDO:0013715, OMIM 614373.

Submission:

Labcorp Genetics (formerly Invitae), Labcorp
Classification: Uncertain significance for Autosomal recessive distal spinal muscular atrophy 2; Amyotrophic lateral sclerosis type 16. Last evaluated: 2022-04-30. Review status: criteria provided, single submitter. Criteria: Invitae Variant Classification Sherloc (09022015). Collection method: clinical testing. Allele origin: germline.
Comment: This variant is not present in population databases (gnomAD no frequency). In summary, the available evidence is currently insufficient to determine the role of this variant in disease. Therefore, it has been classified as a Variant of Uncertain Significance. Algorithms developed to predict the effect of sequence changes on RNA splicing suggest that this variant may disrupt the consensus splice site. Algorithms developed to predict the effect of missense changes on protein structure and function are either unavailable or do not agree on the potential impact of this missense change (SIFT: "Tolerated"; PolyPhen-2: "Probably Damaging"; Align-GVGD: "Class C0"). This variant has not been reported in the literature in individuals affected with SIGMAR1-related conditions. This sequence change replaces tyrosine, which is neutral and polar, with cysteine, which is neutral and slightly polar, at codon 103 of the SIGMAR1 protein (p.Tyr103Cys).